The following is an entry in ClinVar:

NM_024529.5(CDC73):c.1081A>G (p.Ile361Val)

Gene: CDC73 (cell division cycle 73; plus strand). Cytogenetic location: 1q31.2.
Variant type: single nucleotide variant.
Coding change: c.1081A>G on transcript NM_024529.5 (MANE Select); coding-DNA position 1081, A replaced by G.
Protein change: p.Ile361Val; replaces isoleucine 361 with valine.
Molecular consequence: missense variant.
Genome position (GRCh38, 1-based): chr1:193,212,404, A>G. VCF-style: chr1-193212404-A-G. GRCh37 (hg19) VCF-style: chr1-193181534-A-G.
Other names: short protein forms I361V.
Identifiers: ClinVar variation 403895 (VCV000403895.18), dbSNP rs776519655, ClinGen allele CA1303769.

ClinVar aggregate classification (germline): Conflicting classifications of pathogenicity. Review status: criteria provided, conflicting classifications (1 of 4 stars). 4 submissions from 4 submitters: Uncertain significance (3); Likely benign (1). Last evaluated 2025-09-11.

Conditions:
Hereditary cancer-predisposing syndrome. Also called: Tumor predisposition; Neoplastic Syndromes, Hereditary; Hereditary Cancer Syndrome; Hereditary neoplastic syndrome. Identifiers: Orphanet 140162, MedGen C0027672, MeSH D009386, MONDO:0015356.
Parathyroid carcinoma (PRTC). Also called: CDC73-Related Parathyroid Carcinoma; Parathyroid gland carcinoma. Identifiers: Orphanet 143, MedGen C0687150, MONDO:0012004, OMIM 608266, HP:0006780.
Hyperparathyroidism 2 with jaw tumors. Also called: Hyperparathyroidism-Jaw Tumor Syndrome; Hyperparathyroidism 2; HYPERPARATHYROIDISM, FAMILIAL PRIMARY, WITH MULTIPLE OSSIFYING JAW FIBROMAS; HYPERPARATHYROIDISM-JAW TUMOR SYNDROME, HEREDITARY. Identifiers: Orphanet 99880, MedGen C1704981, MONDO:0007768, OMIM 145001.
Hyperparathyroidism 1 (HRPT1). Also called: HYPERPARATHYROIDISM, FAMILIAL ISOLATED PRIMARY. Identifiers: Orphanet 99879, MedGen C1840402, MONDO:0007767, OMIM 145000.

Allele frequency attached by ClinVar (database versions not stated): gnomAD 0.00001; ExAC 0.00002; gnomAD exomes 0.00002 and 0.00003; TOPMed 0.00002.
gnomAD v4.1: 30 of 1,602,948 alleles (0.0019%); highest among the groups gnomAD compares: Non-Finnish European, 0.0025%; no homozygotes.

Submissions (4):

Labcorp Genetics (formerly Invitae), Labcorp
Classification: Uncertain significance for Parathyroid carcinoma. Last evaluated: 2025-09-11. Review status: criteria provided, single submitter. Criteria: Invitae Variant Classification Sherloc (09022015). Collection method: clinical testing. Allele origin: germline.
Comment: This sequence change replaces isoleucine, which is neutral and non-polar, with valine, which is neutral and non-polar, at codon 361 of the CDC73 protein (p.Ile361Val). This variant is present in population databases (rs776519655, gnomAD 0.007%). This variant has not been reported in the literature in individuals affected with CDC73-related conditions. ClinVar contains an entry for this variant (Variation ID: 403895). Invitae Evidence Modeling of protein sequence and biophysical properties (such as structural, functional, and spatial information, amino acid conservation, physicochemical variation, residue mobility, and thermodynamic stability) has been performed for this missense variant. However, the output from this modeling did not meet the statistical confidence thresholds required to predict the impact of this variant on CDC73 protein function. In summary, the available evidence is currently insufficient to determine the role of this variant in disease. Therefore, it has been classified as a Variant of Uncertain Significance.

Fulgent Genetics
Classification: Uncertain significance for Hyperparathyroidism 1; Hyperparathyroidism 2 with jaw tumors; Parathyroid carcinoma. Last evaluated: 2024-05-31. Review status: criteria provided, single submitter. Criteria: ACMG Guidelines, 2015. Collection method: clinical testing. Allele origin: germline.

Ambry Genetics
Classification: Likely benign for Hereditary cancer-predisposing syndrome. Last evaluated: 2023-04-05. Review status: criteria provided, single submitter. Criteria: Ambry Variant Classification Scheme 2023. Collection method: clinical testing. Allele origin: germline.

Revvity Omics, Revvity
Classification: Uncertain significance. Last evaluated: 2020-12-04. Review status: criteria provided, single submitter. Criteria: ACMG Guidelines, 2015. Collection method: clinical testing. Allele origin: germline.